The following is an entry in ClinVar:

NM_000352.6(ABCC8):c.4608G>A (p.Ala1536=)

Gene: ABCC8 (ATP binding cassette subfamily C member 8; minus strand). Cytogenetic location: 11p15.1.
Variant type: single nucleotide variant.
Coding change: c.4608G>A on transcript NM_000352.6 (MANE Select); coding-DNA position 4608, G replaced by A.
Protein change: p.Ala1536=; no amino-acid change (alanine 1536 retained).
Molecular consequence: synonymous variant. On other transcripts: non-coding transcript variant (1).
Genome position (GRCh38, 1-based): chr11:17,393,697, C>T on the plus strand (G>A on the coding strand, the complement: ABCC8 is on the minus strand). VCF-style: chr11-17393697-C-T. GRCh37 (hg19) VCF-style: chr11-17415244-C-T.
Other names: c.4611G>A, p.Ala1537= (NM_001287174.3); c.4674G>A, p.Ala1558= (NM_001351295.2); c.4608G>A, p.Ala1536= (NM_001351296.2); c.4605G>A, p.Ala1535= (NM_001351297.2).
Identifiers: ClinVar variation 555529 (VCV000555529.7), dbSNP rs1439464815, ClinGen allele CA473298008.

ClinVar aggregate classification (germline): Conflicting classifications of pathogenicity. Review status: criteria provided, conflicting classifications (1 of 4 stars). 4 submissions from 4 submitters: Pathogenic (1); Uncertain significance (1). 2 of the submissions do not count toward it. Last evaluated 2025-05-16.

Conditions:
Hyperinsulinemic hypoglycemia, familial, 1 (HHF1). Also called: HYPERINSULINISM, FAMILIAL, WITH PANCREATIC NESIDIOBLASTOSIS; HYPOGLYCEMIA, HYPERINSULINEMIC, OF INFANCY; Persistent hyperinsulinemic hypoglycemia of infancy; NESIDIOBLASTOSIS OF PANCREAS; Persistent Hyperinsulinemia Hypoglycemia of Infancy. Identifiers: Orphanet 276575, Orphanet 276598, MedGen C2931832, MONDO:0009734, OMIM 256450.
Type 2 diabetes mellitus. Also called: Type II diabetes mellitus. Identifiers: MedGen C0011860, MeSH D003924, MONDO:0005148, OMIM 125853, HP:0005978.

Allele frequency attached by ClinVar (database versions not stated): TOPMed below 0.00001; gnomAD 0.00001.
gnomAD v4.1: 6 of 1,614,108 alleles (0.00037%); highest among the groups gnomAD compares: African/African-American, 0.0013%; no homozygotes.

Submissions (4):

Labcorp Genetics (formerly Invitae), Labcorp
Classification: Pathogenic. Last evaluated: 2025-05-16. Review status: criteria provided, single submitter. Criteria: Invitae Variant Classification Sherloc (09022015). Collection method: clinical testing. Allele origin: germline.
Comment: This sequence change affects codon 1536 of the ABCC8 mRNA. It is a 'silent' change, meaning that it does not change the encoded amino acid sequence of the ABCC8 protein. RNA analysis indicates that this variant induces altered splicing and likely results in a shortened protein product. This variant is not present in population databases (gnomAD no frequency). This variant has been observed in individuals with autosomal recessive congenital hyperinsulinism (PMID: 28018462, 33410562, 35621279). This variant is also known as c.4611G>A (p.Ala1537=). ClinVar contains an entry for this variant (Variation ID: 555529). Studies have shown that this variant alters ABCC8 gene expression (PMID: 35621279). Variants that disrupt the consensus splice site are a relatively common cause of aberrant splicing (PMID: 17576681, 9536098). Studies have shown that this variant results in skipping of exon 38, but is expected to preserve the integrity of the reading-frame (PMID: 35621279). For these reasons, this variant has been classified as Pathogenic.

GeneDx
Classification: Uncertain significance. Last evaluated: 2019-11-29. Review status: criteria provided, single submitter. Criteria: GeneDx Variant Classification Process June 2021. Collection method: clinical testing. Allele origin: germline. Affected: yes.
Comment: In-silico analysis, which includes splice predictors and evolutionary conservation, is inconclusive as to whether the variant alters gene splicing. In the absence of RNA/functional studies, the actual effect of this sequence change is unknown; Not observed in large population cohorts (Lek et al., 2016); This variant is associated with the following publications: (PMID: 28018462, 33410562)

Counsyl
Classification: Uncertain significance for Hyperinsulinemic hypoglycemia, familial, 1. Last evaluated: 2017-12-12. Review status: no assertion criteria provided. Collection method: clinical testing. Allele origin: unknown. Not counted in ClinVar's aggregate classification.

Baylor Genetics
Classification: Likely pathogenic for Type 2 diabetes mellitus. Last evaluated: 2023-10-02. Review status: flagged submission. Criteria: ACMG Guidelines, 2015. Collection method: clinical testing. Allele origin: unknown. Not counted in ClinVar's aggregate classification.
ClinVar note: Reason: Outlier claim with insufficient supporting evidence

Literature cited by the submitters: PubMed 28018462 (cited by Labcorp Genetics (formerly Invitae), Labcorp and Counsyl); PubMed 33410562 (cited by Labcorp Genetics (formerly Invitae), Labcorp); PubMed 35621279 (cited by Labcorp Genetics (formerly Invitae), Labcorp); PubMed 17576681 (cited by Labcorp Genetics (formerly Invitae), Labcorp); PubMed 9536098 (cited by Labcorp Genetics (formerly Invitae), Labcorp).